The following is an entry in ClinVar:

NM_024513.4(FYCO1):c.1252G>A (p.Glu418Lys)

Gene: FYCO1 (FYVE and coiled-coil domain autophagy adaptor 1; minus strand). Cytogenetic location: 3p21.31.
Variant type: single nucleotide variant.
Coding change: c.1252G>A on transcript NM_024513.4 (MANE Select); coding-DNA position 1252, G replaced by A.
Protein change: p.Glu418Lys; replaces glutamic acid 418 with lysine.
Molecular consequence: missense variant.
Genome position (GRCh38, 1-based): chr3:45,968,082, C>T on the plus strand (G>A on the coding strand, the complement: FYCO1 is on the minus strand). VCF-style: chr3-45968082-C-T. GRCh37 (hg19) VCF-style: chr3-46009574-C-T.
Other names: c.1252G>A (NM_024513.2); short protein forms E418K.
Identifiers: ClinVar variation 536344 (VCV000536344.7), dbSNP rs72889997, ClinGen allele CA2353288.

ClinVar aggregate classification (germline): Uncertain significance. Review status: criteria provided, multiple submitters, no conflicts (2 of 4 stars). 2 submissions from 2 submitters: Uncertain significance (2). Last evaluated 2022-11-21.

Conditions:
Inborn genetic diseases. Identifiers: MedGen C0950123, MeSH D030342.
Cataract 18 (CATC2). Also called: CATARACT 18, AUTOSOMAL RECESSIVE. Identifiers: Orphanet 91492, Orphanet 98991, Orphanet 98992, Orphanet 98995, MedGen C1864908, MONDO:0012395, OMIM 610019.

Allele frequency attached by ClinVar (database versions not stated): TOPMed 0.00007; gnomAD 0.00009 and 0.00010; gnomAD exomes 0.00011; ExAC 0.00012; 1000 Genomes Project 0.00020; 1000 Genomes Project 30x 0.00031.
gnomAD v4.1: 182 of 1,614,202 alleles (0.011%); highest among the groups gnomAD compares: South Asian, 0.021%; no homozygotes.

Submissions (2):

Ambry Genetics
Classification: Uncertain significance for Inborn genetic diseases. Last evaluated: 2022-11-21. Review status: criteria provided, single submitter. Criteria: Ambry Variant Classification Scheme 2023. Collection method: clinical testing. Allele origin: germline.

Labcorp Genetics (formerly Invitae), Labcorp
Classification: Uncertain significance for Cataract 18. Last evaluated: 2017-11-27. Review status: criteria provided, single submitter. Criteria: Invitae Variant Classification Sherloc (09022015). Collection method: clinical testing. Allele origin: germline.
Comment: In summary, the available evidence is currently insufficient to determine the role of this variant in disease. Therefore, it has been classified as a Variant of Uncertain Significance. Algorithms developed to predict the effect of missense changes on protein structure and function (SIFT, PolyPhen-2, Align-GVGD) all suggest that this variant is likely to be tolerated, but these predictions have not been confirmed by published functional studies and their clinical significance is uncertain. This variant has not been reported in the literature in individuals with FYCO1-related disease. This variant is present in population databases (rs72889997, ExAC 0.02%). This sequence change replaces glutamic acid with lysine at codon 418 of the FYCO1 protein (p.Glu418Lys). The glutamic acid residue is weakly conserved and there is a small physicochemical difference between glutamic acid and lysine.